The following is an entry in ClinVar:

ClinVar aggregate classification (germline): Uncertain significance. Review status: criteria provided, multiple submitters, no conflicts (2 of 4 stars). 2 submissions from 2 submitters: Uncertain significance (2). Last evaluated 2025-10-22.

Allele frequency attached by ClinVar (database versions not stated): gnomAD exomes 0.00001; TOPMed 0.00002; gnomAD 0.00005.
gnomAD v4.1: 12 of 1,612,764 alleles (0.00074%); highest among the groups gnomAD compares: Admixed American, 0.01%; no homozygotes.

Submissions (2):

Ambry Genetics
Classification: Uncertain significance. Last evaluated: 2025-10-22. Review status: criteria provided, single submitter. Criteria: Ambry Variant Classification Scheme 2023. Collection method: clinical testing. Allele origin: germline.
Comment: The p.V298L variant (also known as c.892G>C), located in coding exon 9 of the FAM175A gene, results from a G to C substitution at nucleotide position 892. The valine at codon 298 is replaced by leucine, an amino acid with highly similar properties. This amino acid position is conserved. In addition, this alteration is predicted to be tolerated by in silico analysis. Since supporting evidence is limited at this time, the clinical significance of this alteration remains unclear.

Labcorp Genetics (formerly Invitae), Labcorp
Classification: Uncertain significance. Last evaluated: 2025-02-06. Review status: criteria provided, single submitter. Criteria: Invitae Variant Classification Sherloc (09022015). Collection method: clinical testing. Allele origin: germline.
Comment: This sequence change replaces valine, which is neutral and non-polar, with leucine, which is neutral and non-polar, at codon 298 of the ABRAXAS1 protein (p.Val298Leu). This variant is present in population databases (no rsID available, gnomAD 0.008%). This variant has not been reported in the literature in individuals affected with ABRAXAS1-related conditions. ClinVar contains an entry for this variant (Variation ID: 1395525). Invitae Evidence Modeling of protein sequence and biophysical properties (such as structural, functional, and spatial information, amino acid conservation, physicochemical variation, residue mobility, and thermodynamic stability) indicates that this missense variant is not expected to disrupt ABRAXAS1 protein function with a negative predictive value of 80%. In summary, the available evidence is currently insufficient to determine the role of this variant in disease. Therefore, it has been classified as a Variant of Uncertain Significance.

NM_139076.3(ABRAXAS1):c.892G>C (p.Val298Leu)

Gene: ABRAXAS1 (abraxas 1, BRCA1 A complex subunit; minus strand). Cytogenetic location: 4q21.23.
Variant type: single nucleotide variant.
Coding change: c.892G>C on transcript NM_139076.3 (MANE Select); coding-DNA position 892, G replaced by C.
Protein change: p.Val298Leu; replaces valine 298 with leucine.
Molecular consequence: missense variant.
Genome position (GRCh38, 1-based): chr4:83,462,807, C>G on the plus strand (G>C on the coding strand, the complement: ABRAXAS1 is on the minus strand). VCF-style: chr4-83462807-C-G. GRCh37 (hg19) VCF-style: chr4-84383960-C-G.
Other names: c.565G>C, p.Val189Leu (NM_001345962.2); short protein forms V298L, V189L.
Identifiers: ClinVar variation 1395525 (VCV001395525.9), dbSNP rs1266518140, ClinGen allele CA357256307.
Genomic context (GRCh38, chr4:83,462,807, plus strand): 5'-CGAGATGGTGGTTGTAGTTACAGCTACTTTTAGAAACATGTCTATTTTTTAAAGACATAA[C>G]ACATGAATGAAGAAATTCAGAATTTGGAAAAAAGGTCCGTAATGCCTGACAAAGAAAAAT-3'
Protein context (NP_620775.2, residues 288-308): FPNSEFLHSC[Val298Leu]MSLKNRHVSK